The following is an entry in ClinVar:

ClinVar aggregate classification (germline): Likely pathogenic (1 of 4 stars; one submission).

Conditions:
ADGRV1-related disorder. Also called: ADGRV1-related condition; ADGRV1-related disorders.

Submission:

PreventionGenetics, part of Exact Sciences
Classification: Likely pathogenic for ADGRV1-related condition. Last evaluated: 2022-09-09. Review status: criteria provided, single submitter. Criteria: ACMG Guidelines, 2015. Collection method: clinical testing. Allele origin: germline.
Comment: The ADGRV1 c.13607delT variant is predicted to result in a frameshift and premature protein termination (p.Leu4536Tyrfs*17). To our knowledge, this variant has not been reported in the literature or in a large population database, indicating this variant is rare. Frameshift variants in ADGRV1 are expected to be pathogenic. This variant is interpreted as likely pathogenic.

NM_032119.4(ADGRV1):c.13607del (p.Leu4536fs)

Gene: ADGRV1 (adhesion G protein-coupled receptor V1; plus strand). Cytogenetic location: 5q14.3.
Variant type: Deletion.
Coding change: c.13607del on transcript NM_032119.4 (MANE Select); coding-DNA position 13607, one base deleted (T; older notation c.13607delT).
Protein change: p.Leu4536fs; shifts the reading frame from leucine 4536.
Molecular consequence: frameshift variant. On other transcripts: non-coding transcript variant (1).
Genome position (GRCh38, 1-based): chr5:90,784,011, T deleted; the last of 4 consecutive T bases (chr5:90,784,008-90,784,011); deleting any one gives the same sequence. VCF-style (leftmost placement, unchanged base first): chr5-90784007-AT-A. GRCh37 (hg19) VCF-style: chr5-90079824-AT-A.
Other names: short protein forms L4536fs.
Identifiers: ClinVar variation 2636944 (VCV002636944.1), dbSNP rs2531939747, ClinGen allele CA2695198697.
Genomic context (GRCh38, chr5:90,784,007, plus strand): 5'-GGAGTTATAAGGTTTCTCAATCAAAGCAAAATTTCTATTGCTAATCCCAATTCCACAATG[AT>A]TTTATCACTGGTGCTGGAGCGGACTGGAGGACTCTTGGGAGAGATTCAGGTAGATTTATG-3'